The following is an entry in ClinVar:

ClinVar aggregate classification (germline): Pathogenic (1 of 4 stars; one submission).

gnomAD v4.1: 3 of 1,613,232 alleles (0.00019%); highest among the groups gnomAD compares: Admixed American, 0.0033%; no homozygotes.

Submission:

GeneDx
Classification: Pathogenic. Last evaluated: 2025-01-08. Review status: criteria provided, single submitter. Criteria: GeneDx Variant Classification Process June 2021. Collection method: clinical testing. Allele origin: germline. Affected: yes.
Comment: Nonsense variant predicted to result in protein truncation or nonsense mediated decay in a gene for which loss of function is a known mechanism of disease; Not observed at significant frequency in large population cohorts (gnomAD); Has not been previously published as pathogenic or benign to our knowledge

NM_001083961.2(WDR62):c.2908C>T (p.Gln970Ter)

Gene: WDR62 (WD repeat domain 62; plus strand). Cytogenetic location: 19q13.12.
Variant type: single nucleotide variant.
Coding change: c.2908C>T on transcript NM_001083961.2 (MANE Select); coding-DNA position 2908, C replaced by T.
Protein change: p.Gln970Ter; replaces glutamine 970 with a stop codon.
Molecular consequence: nonsense.
Genome position (GRCh38, 1-based): chr19:36,101,254, C>T. VCF-style: chr19-36101254-C-T. GRCh37 (hg19) VCF-style: chr19-36592156-C-T.
Other names: c.2893C>T, p.Gln965Ter (NM_001411145.1); c.2908C>T, p.Gln970Ter (NM_001411146.1, NM_173636.5); c.2557C>T, p.Gln853Ter (NM_001411147.1); short protein forms Q853*, Q965*, Q970*.
Identifiers: ClinVar variation 4056862 (VCV004056862.1).